The following is an entry in ClinVar:

NM_017654.4(SAMD9):c.1258T>G (p.Cys420Gly)

Gene: SAMD9 (sterile alpha motif domain containing 9; minus strand). Cytogenetic location: 7q21.2.
Variant type: single nucleotide variant.
Coding change: c.1258T>G on transcript NM_017654.4 (MANE Select); coding-DNA position 1258, T replaced by G.
Protein change: p.Cys420Gly; replaces cysteine 420 with glycine.
Molecular consequence: missense variant.
Genome position (GRCh38, 1-based): chr7:93,104,840, A>C on the plus strand (T>G on the coding strand, the complement: SAMD9 is on the minus strand). VCF-style: chr7-93104840-A-C. GRCh37 (hg19) VCF-style: chr7-92734153-A-C.
Other names: c.1258T>G, p.Cys420Gly (NM_001193307.2); short protein forms C420G.
Identifiers: ClinVar variation 3908081 (VCV003908081.1).

ClinVar aggregate classification (germline): Uncertain significance (1 of 4 stars; one submission).

Submission:

GeneDx
Classification: Uncertain significance. Last evaluated: 2024-12-29. Review status: criteria provided, single submitter. Criteria: GeneDx Variant Classification Process June 2021. Collection method: clinical testing. Allele origin: germline. Affected: yes.
Comment: Not observed at significant frequency in large population cohorts (gnomAD); In silico analysis supports that this missense variant has a deleterious effect on protein structure/function; Has not been previously published as pathogenic or benign to our knowledge